The following is an entry in ClinVar:

ClinVar aggregate classification (germline): Likely pathogenic (1 of 4 stars; one submission).

Conditions:
Familial cancer of breast. Also called: Hereditary breast cancer; BREAST CANCER, FAMILIAL; hereditary breast carcinoma. Identifiers: Orphanet 227535, MedGen C0346153, MONDO:0016419, OMIM 114480. Disease mechanism: loss of function.
Fanconi anemia complementation group J. Also called: BRIP1-Related Fanconi Anemia. Identifiers: Orphanet 84, MedGen C1836860, MONDO:0012187, OMIM 609054.

Submission:

Labcorp Genetics (formerly Invitae), Labcorp
Classification: Likely pathogenic for Familial cancer of breast; Fanconi anemia complementation group J. Last evaluated: 2020-07-19. Review status: criteria provided, single submitter. Criteria: Invitae Variant Classification Sherloc (09022015). Collection method: clinical testing. Allele origin: germline.
Comment: This variant is not present in population databases (ExAC no frequency). This sequence change affects an acceptor splice site in intron 4 of the BRIP1 gene. It is expected to disrupt RNA splicing and likely results in an absent or disrupted protein product. This variant has not been reported in the literature in individuals with BRIP1-related conditions. In summary, the currently available evidence indicates that the variant is pathogenic, but additional data are needed to prove that conclusively. Therefore, this variant has been classified as Likely Pathogenic. Donor and acceptor splice site variants typically lead to a loss of protein function (PMID: 16199547), and loss-of-function variants in BRIP1 are known to be pathogenic (PMID: 16116423, 17033622, 21964575). Algorithms developed to predict the effect of sequence changes on RNA splicing suggest that this variant may disrupt the consensus splice site, but this prediction has not been confirmed by published transcriptional studies.

Literature cited by the submitters: PubMed 16199547; PubMed 16116423; PubMed 17033622; PubMed 21964575.

NM_032043.3(BRIP1):c.380-1G>C

Gene: BRIP1 (BRCA1 interacting DNA helicase 1; minus strand). Cytogenetic location: 17q23.2.
Variant type: single nucleotide variant.
Coding change: c.380-1G>C on transcript NM_032043.3 (MANE Select); the canonical splice acceptor site of the intron before coding-DNA position 380, G replaced by C.
Molecular consequence: splice acceptor variant.
Genome position (GRCh38, 1-based): chr17:61,849,257, C>G on the plus strand (G>C on the coding strand, the complement: BRIP1 is on the minus strand). VCF-style: chr17-61849257-C-G. GRCh37 (hg19) VCF-style: chr17-59926618-C-G.
Identifiers: ClinVar variation 1066925 (VCV001066925.8), dbSNP rs2145767071, ClinGen allele CA400484621.